The following is an entry in ClinVar:

NM_001130987.2(DYSF):c.3166dup (p.Arg1056fs)

Gene: DYSF (dysferlin; plus strand). Cytogenetic location: 2p13.2.
Variant type: Duplication.
Coding change: c.3166dup on transcript NM_001130987.2 (MANE Select); coding-DNA position 3166, one base duplicated (C; older notation c.3166dupC).
Protein change: p.Arg1056fs; shifts the reading frame from arginine 1056.
Molecular consequence: frameshift variant.
Genome position (GRCh38, 1-based): chr2:71,570,679, C duplicated; the last of 2 consecutive C bases (chr2:71,570,678-71,570,679); duplicating either gives the same sequence. VCF-style (leftmost placement, unchanged base first): chr2-71570677-A-AC. GRCh37 (hg19) VCF-style: chr2-71797807-A-AC.
Other names: c.3115dup, p.Arg1039fs (NM_001130455.2, NM_001130983.2); c.3070dup, p.Arg1024fs (NM_001130976.2, NM_001130977.2); c.3112dup, p.Arg1038fs (NM_001130978.2, NM_003494.4); c.3205dup, p.Arg1069fs (NM_001130979.2); c.3163dup, p.Arg1055fs (NM_001130980.2, NM_001130981.2); c.3208dup, p.Arg1070fs (NM_001130982.2); c.3073dup, p.Arg1025fs (NM_001130984.2, NM_001130986.2); c.3166dup, p.Arg1056fs (NM_001130985.2); short protein forms R1024fs, R1025fs, R1038fs, R1039fs, R1055fs, R1056fs, R1069fs, R1070fs.
Identifiers: ClinVar variation 5011779 (VCV005011779.1).

ClinVar aggregate classification (germline): Pathogenic (1 of 4 stars; one submission).

Conditions:
Autosomal recessive limb-girdle muscular dystrophy. Identifiers: Orphanet 102015, MedGen C2931907, MONDO:0015152.

Submission:

Myriad Genetics, Inc.
Classification: Pathogenic for Autosomal recessive limb-girdle muscular dystrophy. Last evaluated: 2023-09-27. Review status: criteria provided, single submitter. Criteria: Myriad Autosomal Dominant, Autosomal Recessive and X-Linked Classification Criteria (2023). Collection method: clinical testing. Allele origin: unknown.
Comment: NM_003494.3(DYSF):c.3112dupC(R1038Pfs*76) is expected to be pathogenic in the context of dysferlinopathy. This variant is predicted to lead to an abnormal or absent protein product due to the creation of a premature termination codon in DYSF, a gene where loss-of-function variants are known to be pathogenic. Please note: this variant was assessed in the context of healthy population screening.